The following is an entry in ClinVar:

ClinVar aggregate classification (germline): Uncertain significance. Review status: criteria provided, multiple submitters, no conflicts (2 of 4 stars). 2 submissions from 2 submitters: Uncertain significance (2). Last evaluated 2023-08-04.

Conditions:
Inborn genetic diseases. Identifiers: MedGen C0950123, MeSH D030342.
TP63-Related Spectrum Disorders.

Allele frequency attached by ClinVar (database versions not stated): ExAC 0.00002; gnomAD 0.00002; gnomAD exomes 0.00002; 1000 Genomes Project 30x 0.00016.
gnomAD v4.1: 34 of 1,613,906 alleles (0.0021%); highest among the groups gnomAD compares: Middle Eastern, 0.016%; no homozygotes.

Submissions (2):

Labcorp Genetics (formerly Invitae), Labcorp
Classification: Uncertain significance. Last evaluated: 2023-08-04. Review status: criteria provided, single submitter. Criteria: Invitae Variant Classification Sherloc (09022015). Collection method: clinical testing. Allele origin: germline.
Comment: In summary, the available evidence is currently insufficient to determine the role of this variant in disease. Therefore, it has been classified as a Variant of Uncertain Significance. Advanced modeling of protein sequence and biophysical properties (such as structural, functional, and spatial information, amino acid conservation, physicochemical variation, residue mobility, and thermodynamic stability) has been performed at Invitae for this missense variant, however the output from this modeling did not meet the statistical confidence thresholds required to predict the impact of this variant on TP63 protein function. ClinVar contains an entry for this variant (Variation ID: 2381786). This variant has not been reported in the literature in individuals affected with TP63-related conditions. This variant is present in population databases (rs757536818, gnomAD 0.006%). This sequence change replaces arginine, which is basic and polar, with cysteine, which is neutral and slightly polar, at codon 376 of the TP63 protein (p.Arg376Cys).

Ambry Genetics
Classification: Uncertain significance for Inborn genetic diseases. Last evaluated: 2021-06-22. Review status: criteria provided, single submitter. Criteria: Ambry Variant Classification Scheme 2023. Collection method: clinical testing. Allele origin: germline.

NM_003722.5(TP63):c.1126C>T (p.Arg376Cys)

Gene: TP63 (tumor protein p63; plus strand). Cytogenetic location: 3q28.
Variant type: single nucleotide variant.
Coding change: c.1126C>T on transcript NM_003722.5 (MANE Select); coding-DNA position 1126, C replaced by T.
Protein change: p.Arg376Cys; replaces arginine 376 with cysteine.
Molecular consequence: missense variant. On other transcripts: intron variant (3).
Genome position (GRCh38, 1-based): chr3:189,868,713, C>T. VCF-style: chr3-189868713-C-T. GRCh37 (hg19) VCF-style: chr3-189586502-C-T.
Other names: c.1126C>T, p.Arg376Cys (NM_001114978.2, NM_001114979.2, NM_001329144.2); c.844C>T, p.Arg282Cys (NM_001114980.2, NM_001114981.2, NM_001114982.2 and 1 more transcripts); c.589C>T, p.Arg197Cys (NM_001329146.2); c.1120C>T, p.Arg374Cys (NM_001329964.2); c.1117+9C>T (NM_001329148.2); c.835+9C>T (NM_001329149.2); c.580+9C>T (NM_001329150.2); short protein forms R374C, R197C, R376C, R282C.
Identifiers: ClinVar variation 2381786 (VCV002381786.4), dbSNP rs757536818, ClinGen allele CA2752346.